The following is an entry in ClinVar:

ClinVar aggregate classification (germline): Uncertain significance (1 of 4 stars; one submission).

Conditions:
Familial sleep-related hypermotor epilepsy. Also called: Autosomal Dominant Sleep-Related Hypermotor (Hyperkinetic) Epilepsy. Identifiers: Orphanet 98784, MedGen C3696898, MONDO:0000030.

Submission:

Labcorp Genetics (formerly Invitae), Labcorp
Classification: Uncertain significance. Last evaluated: 2025-08-04. Review status: criteria provided, single submitter. Criteria: Invitae Variant Classification Sherloc (09022015). Collection method: clinical testing. Allele origin: germline.
Comment: This variant, c.1762_1764del, results in the deletion of 1 amino acid(s) of the CHRNA4 protein (p.Lys588del), but otherwise preserves the integrity of the reading frame. This variant is not present in population databases (gnomAD no frequency). This variant has not been reported in the literature in individuals affected with CHRNA4-related conditions. This variant has been observed in at least one individual who was not affected with CHRNA4-related conditions (internal data). ClinVar contains an entry for this variant (Variation ID: 3011562). Experimental studies and prediction algorithms are not available or were not evaluated, and the functional significance of this variant is currently unknown. In summary, the available evidence is currently insufficient to determine the role of this variant in disease. Therefore, it has been classified as a Variant of Uncertain Significance.

NM_000744.7(CHRNA4):c.1762_1764del (p.Lys588del)

Gene: CHRNA4 (cholinergic receptor nicotinic alpha 4 subunit; minus strand). Cytogenetic location: 20q13.33.
Variant type: Deletion.
Coding change: c.1762_1764del on transcript NM_000744.7 (MANE Select); coding-DNA positions 1762 to 1764, 3 bases deleted (AAG; older notation c.1762_1764delAAG).
Protein change: p.Lys588del; deletes lysine 588.
Molecular consequence: inframe deletion. On other transcripts: non-coding transcript variant (1).
Genome position (GRCh38, 1-based): chr20:63,346,858-63,346,860, CTT deleted on the plus strand (AAG on the coding strand, the reverse complement: CHRNA4 is on the minus strand); deleting any 3 consecutive bases within chr20:63,346,858-63,346,861 gives the same sequence; the c. name uses the placement nearest the transcript's 3' end. VCF-style (leftmost placement, unchanged base first): chr20-63346857-CCTT-C. GRCh37 (hg19) VCF-style: chr20-61978209-CCTT-C.
Other names: c.1234_1236del, p.Lys412del (NM_001256573.2); short protein forms K412del, K588del.
Identifiers: ClinVar variation 3011562 (VCV003011562.3), dbSNP rs1241043078, ClinGen allele CA746451367.